The following is an entry in ClinVar:

ClinVar aggregate classification (germline): Uncertain significance (1 of 4 stars; one submission).

Conditions:
Familial hypocalciuric hypercalcemia (FHH). Also called: Familial benign hypercalcemia. Identifiers: Orphanet 405, MedGen C1809471, MONDO:0018458.
Autosomal dominant hypocalcemia 1 (HYPOC1). Also called: HYPOCALCEMIA, FAMILIAL. Identifiers: MedGen C3715128, MONDO:0011013, OMIM 601198.

gnomAD v4.1: 1 of 1,613,472 alleles (0.000062%); highest among the groups gnomAD compares: Non-Finnish European, 0.000085%; no homozygotes.

Submission:

Labcorp Genetics (formerly Invitae), Labcorp
Classification: Uncertain significance for Familial hypocalciuric hypercalcemia; Autosomal dominant hypocalcemia 1. Last evaluated: 2019-06-06. Review status: criteria provided, single submitter. Criteria: Invitae Variant Classification Sherloc (09022015). Collection method: clinical testing. Allele origin: germline.
Comment: In summary, the available evidence is currently insufficient to determine the role of this variant in disease. Therefore, it has been classified as a Variant of Uncertain Significance. Algorithms developed to predict the effect of missense changes on protein structure and function are either unavailable or do not agree on the potential impact of this missense change (SIFT: "Deleterious"; PolyPhen-2: "Benign"; Align-GVGD: "Class C0"). This variant has not been reported in the literature in individuals with CASR-related conditions. This variant is not present in population databases (ExAC no frequency). This sequence change replaces threonine with asparagine at codon 909 of the CASR protein (p.Thr909Asn). The threonine residue is highly conserved and there is a small physicochemical difference between threonine and asparagine.

NM_000388.4(CASR):c.2726C>A (p.Thr909Asn)

Gene: CASR (calcium sensing receptor; plus strand). Cytogenetic location: 3q21.1.
Variant type: single nucleotide variant.
Coding change: c.2726C>A on transcript NM_000388.4 (MANE Select); coding-DNA position 2726, C replaced by A.
Protein change: p.Thr909Asn; replaces threonine 909 with asparagine.
Molecular consequence: missense variant.
Genome position (GRCh38, 1-based): chr3:122,284,680, C>A. VCF-style: chr3-122284680-C-A. GRCh37 (hg19) VCF-style: chr3-122003527-C-A.
Other names: c.2756C>A, p.Thr919Asn (NM_001178065.2); short protein forms T909N, T919N.
Identifiers: ClinVar variation 947163 (VCV000947163.10), dbSNP rs201067523, ClinGen allele CA354160632.